The following is an entry in ClinVar:

ClinVar aggregate classification (germline): Uncertain significance. Review status: criteria provided, multiple submitters, no conflicts (2 of 4 stars). 3 submissions from 3 submitters: Uncertain significance (3). Last evaluated 2025-09-08.

Conditions:
Inborn genetic diseases. Identifiers: MedGen C0950123, MeSH D030342.

Allele frequency attached by ClinVar (database versions not stated): TOPMed 0.00009; ExAC 0.00010; gnomAD exomes 0.00011 and 0.00022; gnomAD 0.00014; ESP Exome Variant Server 0.00023.
gnomAD v4.1: 341 of 1,613,832 alleles (0.021%); highest among the groups gnomAD compares: Non-Finnish European, 0.027%; no homozygotes.

Submissions (3):

Labcorp Genetics (formerly Invitae), Labcorp
Classification: Uncertain significance. Last evaluated: 2025-09-08. Review status: criteria provided, single submitter. Criteria: Invitae Variant Classification Sherloc (09022015). Collection method: clinical testing. Allele origin: germline.
Comment: This sequence change replaces serine, which is neutral and polar, with arginine, which is basic and polar, at codon 166 of the RIPK1 protein (p.Ser166Arg). This variant is present in population databases (rs138277932, gnomAD 0.02%). This variant has not been reported in the literature in individuals affected with RIPK1-related conditions. ClinVar contains an entry for this variant (Variation ID: 1374527). An algorithm developed to predict the effect of missense changes on protein structure and function (PolyPhen-2) suggests that this variant is likely to be disruptive. In summary, the available evidence is currently insufficient to determine the role of this variant in disease. Therefore, it has been classified as a Variant of Uncertain Significance.

Ambry Genetics
Classification: Uncertain significance for Inborn genetic diseases. Last evaluated: 2024-11-07. Review status: criteria provided, single submitter. Criteria: Ambry Variant Classification Scheme 2023. Collection method: clinical testing. Allele origin: germline.

Blueprint Genetics
Classification: Uncertain significance. Last evaluated: 2023-06-01. Review status: criteria provided, single submitter. Criteria: ACMG Guidelines, 2015. Collection method: clinical testing. Allele origin: germline.

NM_001354930.2(RIPK1):c.498C>G (p.Ser166Arg)

Gene: RIPK1 (receptor interacting serine/threonine kinase 1; plus strand). Cytogenetic location: 6p25.2.
Variant type: single nucleotide variant.
Coding change: c.498C>G on transcript NM_001354930.2 (MANE Select); coding-DNA position 498, C replaced by G.
Protein change: p.Ser166Arg; replaces serine 166 with arginine.
Molecular consequence: missense variant.
Genome position (GRCh38, 1-based): chr6:3,083,123, C>G. VCF-style: chr6-3083123-C-G. GRCh37 (hg19) VCF-style: chr6-3083357-C-G.
Other names: c.9C>G, p.Ser3Arg (NM_001317061.3, NM_001354932.2, NM_001354933.2 and 1 more transcripts); c.360C>G, p.Ser120Arg (NM_001354931.2); c.498C>G, p.Ser166Arg (NM_003804.6); c.498C>G (NM_003804.3); short protein forms S3R, S166R, S120R.
Identifiers: ClinVar variation 1374527 (VCV001374527.8), dbSNP rs138277932, ClinGen allele CA3618211.